The following is an entry in ClinVar:

ClinVar aggregate classification (germline): Uncertain significance (1 of 4 stars; one submission).

Conditions:
ADCY3-related disorder. Also called: ADCY3-related condition.

gnomAD v4.1: 115 of 1,614,202 alleles (0.0071%); highest among the groups gnomAD compares: East Asian, 0.087%; no homozygotes.

Submission:

PreventionGenetics, part of Exact Sciences
Classification: Uncertain significance for ADCY3-related condition. Last evaluated: 2026-07-08. Review status: criteria provided, single submitter. Criteria: ACMG Guidelines, 2015. Collection method: clinical testing. Allele origin: germline.
Comment: The ADCY3 c.2387G>A variant is predicted to result in the amino acid substitution p.Arg796His. To our knowledge, this variant has not been reported in the literature. This variant is reported in 0.070% of alleles in individuals of East Asian descent in gnomAD, which may be too common to be a primary cause of disease. Although we suspect that this variant may be benign, at this time, the clinical significance of this variant is uncertain due to the absence of conclusive functional and genetic evidence.

NM_004036.5(ADCY3):c.2387G>A (p.Arg796His)

Gene: ADCY3 (adenylate cyclase 3; minus strand). Cytogenetic location: 2p23.3.
Variant type: single nucleotide variant.
Coding change: c.2387G>A on transcript NM_004036.5 (MANE Select); coding-DNA position 2387, G replaced by A.
Protein change: p.Arg796His; replaces arginine 796 with histidine.
Molecular consequence: missense variant. On other transcripts: intron variant (1).
Genome position (GRCh38, 1-based): chr2:24,827,947, C>T on the plus strand (G>A on the coding strand, the complement: ADCY3 is on the minus strand). VCF-style: chr2-24827947-C-T. GRCh37 (hg19) VCF-style: chr2-25050816-C-T.
Other names: c.2387G>A, p.Arg796His (NM_001320613.2, NM_001377132.1); c.2453G>A, p.Arg818His (NM_001377128.1); c.2249G>A, p.Arg750His (NM_001377129.1); c.1664G>A, p.Arg555His (NM_001377131.1); c.2172+2762G>A (NM_001377130.1); short protein forms R555H, R750H, R796H, R818H.
Identifiers: ClinVar variation 3350422 (VCV003350422.2).